The following is an entry in ClinVar:

ClinVar aggregate classification (germline): Pathogenic (1 of 4 stars; one submission).

Conditions:
Nephronophthisis. Also called: Juvenile Nephronophthisis. Identifiers: Orphanet 655, MedGen C0687120, MONDO:0019005, HP:0000090.

Submission:

Labcorp Genetics (formerly Invitae), Labcorp
Classification: Pathogenic for Nephronophthisis. Last evaluated: 2022-02-05. Review status: criteria provided, single submitter. Criteria: Invitae Variant Classification Sherloc (09022015). Collection method: clinical testing. Allele origin: germline.
Comment: This sequence change creates a premature translational stop signal (p.Cys704Serfs*29) in the NPHP3 gene. It is expected to result in an absent or disrupted protein product. Loss-of-function variants in NPHP3 are known to be pathogenic (PMID: 18371931, 23559409). This variant is not present in population databases (gnomAD no frequency). This variant has not been reported in the literature in individuals affected with NPHP3-related conditions. For these reasons, this variant has been classified as Pathogenic.

Literature cited by the submitters: PubMed 18371931; PubMed 23559409.

NM_153240.5(NPHP3):c.2111_2112del (p.Cys704fs)

Genes: NPHP3 (nephrocystin 3; minus strand), NPHP3-ACAD11 (NPHP3-ACAD11 readthrough (NMD candidate); minus strand). Cytogenetic location: 3q22.1.
Variant type: Deletion.
Coding change: c.2111_2112del on transcript NM_153240.5 (MANE Select); coding-DNA positions 2111 to 2112, 2 bases deleted (GT; older notation c.2111_2112delGT).
Protein change: p.Cys704fs; shifts the reading frame from cysteine 704.
Molecular consequence: frameshift variant. On other transcripts: non-coding transcript variant (1).
Genome position (GRCh38, 1-based): chr3:132,696,790-132,696,791, AC deleted on the plus strand (GT on the coding strand, the reverse complement: NPHP3 is on the minus strand); deleting any 2 consecutive bases within chr3:132,696,790-132,696,792 gives the same sequence; the c. name uses the placement nearest the transcript's 3' end. VCF-style (leftmost placement, unchanged base first): chr3-132696789-GAC-G. GRCh37 (hg19) VCF-style: chr3-132415633-GAC-G.
Other names: short protein forms C704fs.
Identifiers: ClinVar variation 1452385 (VCV001452385.6), dbSNP rs2107976854, ClinGen allele CA2573136550.